The following is an entry in ClinVar:

ClinVar aggregate classification (germline): Uncertain significance (1 of 4 stars; one submission).

Conditions:
Marfan syndrome (MFS). Also called: MARFAN SYNDROME, TYPE I; Marfan syndrome type 1; Marfan's syndrome; Marfan syndrome, classic; FBN1-Related Marfan Syndrome. Identifiers: Orphanet 284963, Orphanet 558, MedGen C0024796, MONDO:0007947, OMIM 154700.
Familial thoracic aortic aneurysm and aortic dissection (TAAD). Also called: Thoracic aortic aneurysms and dissections. Identifiers: Orphanet 91387, MedGen C4707243, MONDO:0019625.

Submission:

Labcorp Genetics (formerly Invitae), Labcorp
Classification: Uncertain significance for Marfan syndrome; Familial thoracic aortic aneurysm and aortic dissection. Last evaluated: 2023-02-28. Review status: criteria provided, single submitter. Criteria: Invitae Variant Classification Sherloc (09022015). Collection method: clinical testing. Allele origin: germline.
Comment: This variant is not present in population databases (gnomAD no frequency). In summary, the available evidence is currently insufficient to determine the role of this variant in disease. Therefore, it has been classified as a Variant of Uncertain Significance. Algorithms developed to predict the effect of sequence changes on RNA splicing suggest that this variant may disrupt the consensus splice site. Advanced modeling of protein sequence and biophysical properties (such as structural, functional, and spatial information, amino acid conservation, physicochemical variation, residue mobility, and thermodynamic stability) performed at Invitae indicates that this missense variant is not expected to disrupt FBN1 protein function. This variant has not been reported in the literature in individuals affected with FBN1-related conditions. This sequence change replaces proline, which is neutral and non-polar, with leucine, which is neutral and non-polar, at codon 715 of the FBN1 protein (p.Pro715Leu).

NM_000138.5(FBN1):c.2144C>T (p.Pro715Leu)

Gene: FBN1 (fibrillin 1; minus strand). Cytogenetic location: 15q21.1.
Variant type: single nucleotide variant.
Coding change: c.2144C>T on transcript NM_000138.5 (MANE Select); coding-DNA position 2144, C replaced by T.
Protein change: p.Pro715Leu; replaces proline 715 with leucine.
Molecular consequence: missense variant.
Genome position (GRCh38, 1-based): chr15:48,499,008, G>A on the plus strand (C>T on the coding strand, the complement: FBN1 is on the minus strand). VCF-style: chr15-48499008-G-A. GRCh37 (hg19) VCF-style: chr15-48791205-G-A.
Other names: c.2144C>T, p.Pro715Leu (NM_001406716.1); short protein forms P715L.
Identifiers: ClinVar variation 2935187 (VCV002935187.3), dbSNP rs2505580304, ClinGen allele CA392336229.